The following is an entry in ClinVar:

NM_002317.7(LOX):c.1067G>A (p.Gly356Asp)

Genes: LOX (lysyl oxidase; minus strand), SRFBP1 (serum response factor binding protein 1; plus strand). Cytogenetic location: 5q23.1.
Variant type: single nucleotide variant.
Coding change: c.1067G>A on transcript NM_002317.7 (MANE Select); coding-DNA position 1067, G replaced by A.
Protein change: p.Gly356Asp; replaces glycine 356 with aspartic acid.
Molecular consequence: missense variant.
Genome position (GRCh38, 1-based): chr5:122,070,558, C>T on the plus strand (G>A on the coding strand, the complement: LOX is on the minus strand). VCF-style: chr5-122070558-C-T. GRCh37 (hg19) VCF-style: chr5-121406253-C-T.
Other names: c.377G>A, p.Gly126Asp (NM_001178102.2); c.176G>A, p.Gly59Asp (NM_001317073.1); short protein forms G126D, G59D, G356D.
Identifiers: ClinVar variation 4098970 (VCV004098970.1).

ClinVar aggregate classification (germline): Uncertain significance (1 of 4 stars; one submission).

Conditions:
Cardiovascular phenotype. Identifiers: MedGen CN230736.

Submission:

Ambry Genetics
Classification: Uncertain significance for Cardiovascular phenotype. Last evaluated: 2025-08-28. Review status: criteria provided, single submitter. Criteria: Ambry Variant Classification Scheme 2023. Collection method: clinical testing. Allele origin: germline.
Comment: The p.G356D variant (also known as c.1067G>A), located in coding exon 5 of the LOX gene, results from a G to A substitution at nucleotide position 1067. The glycine at codon 356 is replaced by aspartic acid, an amino acid with similar properties. This amino acid position is conserved. In addition, this alteration is predicted to be tolerated by in silico analysis. Based on the available evidence, the clinical significance of this variant remains unclear.